The following is an entry in ClinVar:

ClinVar aggregate classification (germline): Uncertain significance. Review status: criteria provided, multiple submitters, no conflicts (2 of 4 stars). 2 submissions from 2 submitters: Uncertain significance (2). Last evaluated 2024-04-15.

Conditions:
Inborn genetic diseases. Identifiers: MedGen C0950123, MeSH D030342.
Pitt-Hopkins-like syndrome 2 (PTHSL2). Identifiers: Orphanet 221150, Orphanet 600663, MedGen C3280479, MONDO:0013690, OMIM 614325.

Allele frequency attached by ClinVar (database versions not stated): gnomAD 0.00001; ExAC 0.00003.
gnomAD v4.1: 6 of 1,601,294 alleles (0.00037%); highest among the groups gnomAD compares: East Asian, 0.0068%; no homozygotes.

Submissions (2):

Labcorp Genetics (formerly Invitae), Labcorp
Classification: Uncertain significance for Pitt-Hopkins-like syndrome 2. Last evaluated: 2024-04-15. Review status: criteria provided, single submitter. Criteria: Invitae Variant Classification Sherloc (09022015). Collection method: clinical testing. Allele origin: germline.
Comment: This sequence change replaces aspartic acid, which is acidic and polar, with histidine, which is basic and polar, at codon 206 of the NRXN1 protein (p.Asp206His). This variant is present in population databases (rs200781129, gnomAD 0.03%). This variant has not been reported in the literature in individuals affected with NRXN1-related conditions. ClinVar contains an entry for this variant (Variation ID: 2485336). An algorithm developed to predict the effect of missense changes on protein structure and function (PolyPhen-2) suggests that this variant is likely to be disruptive. In summary, the available evidence is currently insufficient to determine the role of this variant in disease. Therefore, it has been classified as a Variant of Uncertain Significance.

Ambry Genetics
Classification: Uncertain significance for Inborn genetic diseases. Last evaluated: 2023-02-15. Review status: criteria provided, single submitter. Criteria: Ambry Variant Classification Scheme 2023. Collection method: clinical testing. Allele origin: germline.

NM_001330078.2(NRXN1):c.616G>C (p.Asp206His)

Gene: NRXN1 (neurexin 1; minus strand). Cytogenetic location: 2p16.3.
Variant type: single nucleotide variant.
Coding change: c.616G>C on transcript NM_001330078.2 (MANE Select); coding-DNA position 616, G replaced by C.
Protein change: p.Asp206His; replaces aspartic acid 206 with histidine.
Molecular consequence: missense variant.
Genome position (GRCh38, 1-based): chr2:51,027,658, C>G on the plus strand (G>C on the coding strand, the complement: NRXN1 is on the minus strand). VCF-style: chr2-51027658-C-G. GRCh37 (hg19) VCF-style: chr2-51254796-C-G.
Other names: c.616G>C, p.Asp206His (NM_001135659.3, NM_001330077.2, NM_001330079.2 and 15 more transcripts); short protein forms D206H.
Identifiers: ClinVar variation 2485336 (VCV002485336.5), dbSNP rs200781129, ClinGen allele CA1655445.